The following is an entry in ClinVar:

ClinVar aggregate classification (germline): Likely benign (0 of 4 stars; one submission).

Conditions:
RPS7-related disorder. Also called: RPS7-related condition.

Allele frequency attached by ClinVar (database versions not stated): gnomAD exomes below 0.00001; ExAC 0.00001.
gnomAD v4.1: 1 of 1,612,020 alleles (0.000062%); highest among the groups gnomAD compares: Non-Finnish European, 0.000085%; no homozygotes.

Submission:

PreventionGenetics, part of Exact Sciences
Classification: Likely benign for RPS7-related condition. Last evaluated: 2020-06-22. Review status: no assertion criteria provided. Collection method: clinical testing. Allele origin: germline.
Comment: This variant is classified as likely benign based on ACMG/AMP sequence variant interpretation guidelines (Richards et al. 2015 PMID: 25741868, with internal and published modifications).

NM_001011.4(RPS7):c.76-4T>C

Gene: RPS7 (ribosomal protein S7; plus strand). Cytogenetic location: 2p25.3.
Variant type: single nucleotide variant.
Coding change: c.76-4T>C on transcript NM_001011.4 (MANE Select); 4 bases into the intron before coding-DNA position 76, T replaced by C.
Molecular consequence: intron variant.
Genome position (GRCh38, 1-based): chr2:3,575,813, T>C. VCF-style: chr2-3575813-T-C. GRCh37 (hg19) VCF-style: chr2-3623403-T-C.
Identifiers: ClinVar variation 3036851 (VCV003036851.2), dbSNP rs750287887, ClinGen allele CA1516554.